The following is an entry in ClinVar:

ClinVar aggregate classification (germline): Uncertain significance (1 of 4 stars; one submission).

Conditions:
Cardiovascular phenotype. Identifiers: MedGen CN230736.

Allele frequency attached by ClinVar (database versions not stated): gnomAD exomes below 0.00001.
gnomAD v4.1: 1 of 1,551,920 alleles (0.000064%); highest among the groups gnomAD compares: African/African-American, 0.0014%; no homozygotes.

Submission:

Ambry Genetics
Classification: Uncertain significance for Cardiovascular phenotype. Last evaluated: 2025-09-25. Review status: criteria provided, single submitter. Criteria: Ambry Variant Classification Scheme 2023. Collection method: clinical testing. Allele origin: germline.
Comment: The p.D954H variant (also known as c.2860G>C), located in coding exon 11 of the RBM20 gene, results from a G to C substitution at nucleotide position 2860. The aspartic acid at codon 954 is replaced by histidine, an amino acid with similar properties. This amino acid position is not well conserved in available vertebrate species, and histidine is the reference amino acid in other vertebrate species. In addition, this alteration is predicted to be tolerated by in silico analysis. Since supporting evidence is limited at this time, the clinical significance of this alteration remains unclear.

NM_001134363.3(RBM20):c.2860G>C (p.Asp954His)

Gene: RBM20 (RNA binding motif protein 20; plus strand). Cytogenetic location: 10q25.2.
Variant type: single nucleotide variant.
Coding change: c.2860G>C on transcript NM_001134363.3 (MANE Select); coding-DNA position 2860, G replaced by C.
Protein change: p.Asp954His; replaces aspartic acid 954 with histidine.
Molecular consequence: missense variant.
Genome position (GRCh38, 1-based): chr10:110,821,479, G>C. VCF-style: chr10-110821479-G-C. GRCh37 (hg19) VCF-style: chr10-112581237-G-C.
Other names: c.2860G>C (LRG_382t1); short protein forms D954H.
Identifiers: ClinVar variation 518989 (VCV000518989.6), dbSNP rs1554843534, ClinGen allele CA378378102.